The following is an entry in ClinVar:

ClinVar aggregate classification (germline): Likely pathogenic (1 of 4 stars; one submission).

Conditions:
Seizures, benign familial infantile, 3 (BFIS3). Also called: Familial neonatal seizures; CONVULSIONS, BENIGN FAMILIAL INFANTILE, 3. Identifiers: Orphanet 140927, Orphanet 306, MedGen C1843140, MONDO:0011904, OMIM 607745.
Complex neurodevelopmental disorder. Identifiers: Orphanet 528084, MedGen C5568766, MONDO:0100038.

Submission:

Mendelics
Classification: Likely pathogenic for Seizures, benign familial infantile, 3. Last evaluated: 2019-05-28. Review status: criteria provided, single submitter. Criteria: Mendelics Assertion Criteria 2017. Collection method: clinical testing. Allele origin: unknown.

NM_001040142.2(SCN2A):c.5333A>T (p.Asn1778Ile)

Gene: SCN2A (sodium voltage-gated channel alpha subunit 2; plus strand). Cytogenetic location: 2q24.3.
Variant type: single nucleotide variant.
Coding change: c.5333A>T on transcript NM_001040142.2 (MANE Select); coding-DNA position 5333, A replaced by T.
Protein change: p.Asn1778Ile; replaces asparagine 1778 with isoleucine.
Molecular consequence: missense variant.
Genome position (GRCh38, 1-based): chr2:165,389,139, A>T. VCF-style: chr2-165389139-A-T. GRCh37 (hg19) VCF-style: chr2-166245649-A-T.
Other names: c.5333A>T, p.Asn1778Ile (NM_001040143.2, NM_001371246.1, NM_001371247.1 and 1 more transcripts); short protein forms N1778I.
Identifiers: ClinVar variation 801787 (VCV000801787.3), dbSNP rs1574752700, ClinGen allele CA349038734.
Genomic context (GRCh38, chr2:165,389,139, plus strand): 5'-GTTACATCATCATATCCTTCCTGGTTGTGGTGAACATGTACATCGCGGTCATCCTGGAGA[A>T]CTTCAGTGTTGCTACTGAAGAAAGTGCAGAGCCTCTGAGTGAGGATGACTTTGAGATGTT-3'
Protein context (NP_001035232.1, residues 1768-1788): VNMYIAVILE[Asn1778Ile]FSVATEESAE